The following is an entry in ClinVar:

ClinVar aggregate classification (germline): Conflicting classifications of pathogenicity. Review status: criteria provided, conflicting classifications (1 of 4 stars). 9 submissions from 9 submitters: Uncertain significance (6); Benign (1); Likely benign (1). 1 of the submissions does not count toward it. Last evaluated 2026-01-26.

Conditions:
Juvenile polyposis syndrome (JPS). Identifiers: Orphanet 2929, MedGen C0345893, MONDO:0017380, OMIM 174900.
BMPR1A-related disorder. Also called: BMPR1A-related condition.
Polyposis syndrome, hereditary mixed, 2. Identifiers: Orphanet 157794, MedGen C1864730, MONDO:0012405, OMIM 610069.
Hereditary cancer-predisposing syndrome. Also called: Neoplastic Syndromes, Hereditary; Hereditary Cancer Syndrome; Hereditary neoplastic syndrome; Tumor predisposition. Identifiers: Orphanet 140162, MedGen C0027672, MeSH D009386, MONDO:0015356.

Allele frequency attached by ClinVar (database versions not stated): gnomAD exomes 0.00004 and 0.00006; gnomAD 0.00007; ExAC 0.00009; TOPMed 0.00009; ESP Exome Variant Server 0.00015.

Submissions (9):

Labcorp Genetics (formerly Invitae), Labcorp
Classification: Uncertain significance for Juvenile polyposis syndrome. Last evaluated: 2026-01-26. Review status: criteria provided, single submitter. Criteria: Invitae Variant Classification Sherloc (09022015). Collection method: clinical testing. Allele origin: germline.
Comment: This sequence change replaces methionine, which is neutral and non-polar, with valine, which is neutral and non-polar, at codon 160 of the BMPR1A protein (p.Met160Val). This variant is present in population databases (rs145101532, gnomAD 0.02%). This missense change has been observed in individual(s) with colorectal cancer and/or leukemia (PMID: 26580448, 28135145). ClinVar contains an entry for this variant (Variation ID: 141022). Invitae Evidence Modeling incorporating data from in vitro experimental studies (internal data) indicates that this missense variant is not expected to disrupt BMPR1A function with a negative predictive value of 95%. In summary, the available evidence is currently insufficient to determine the role of this variant in disease. Therefore, it has been classified as a Variant of Uncertain Significance.

Color Diagnostics, LLC DBA Color Health
Classification: Uncertain significance for Hereditary cancer-predisposing syndrome. Last evaluated: 2024-05-14. Review status: criteria provided, single submitter. Criteria: ACMG Guidelines, 2015. Collection method: clinical testing. Allele origin: germline.
Comment: This missense variant replaces methionine with valine at codon 160 of the BMPR1A protein. Computational prediction suggests that this variant may not impact protein structure and function (internally defined REVEL score threshold <= 0.5, PMID: 27666373). To our knowledge, functional studies have not been reported for this variant. This variant has been reported in an individual affected with colorectal cancer in the literature (PMID: 28135145). This variant has been identified in 17/282744 chromosomes in the general population by the Genome Aggregation Database (gnomAD). The available evidence is insufficient to determine the role of this variant in disease conclusively. Therefore, this variant is classified as a Variant of Uncertain Significance.

Quest Diagnostics Nichols Institute San Juan Capistrano
Classification: Likely benign. Last evaluated: 2023-08-22. Review status: criteria provided, single submitter. Criteria: Quest Diagnostics criteria. Collection method: clinical testing. Allele origin: unknown.

Ambry Genetics
Classification: Benign for Hereditary cancer-predisposing syndrome. Last evaluated: 2022-09-16. Review status: criteria provided, single submitter. Criteria: Ambry Variant Classification Scheme 2023. Collection method: clinical testing. Allele origin: germline.

Sema4
Classification: Uncertain significance for Hereditary cancer-predisposing syndrome. Last evaluated: 2022-03-05. Review status: criteria provided, single submitter. Criteria: Sema4 Curation Guidelines. Collection method: curation. Allele origin: germline.
Comment: The BMPR1A c.478A>G (p.M160V) variant has been reported in one individual with acute lymphocytic leukemia, one individual with colorectal cancer, and in a patient with personal and/or family history of cancer (PMID: 2658044, 28135145, 28717660). It was observed in 5/30612 chromosomes of the South Asian subpopulation in the large and broad cohorts of the Genome Aggregation Database (PMID: 32461654). The variant has been reported in ClinVar (Variation ID 141022). Functional studies have not been performed, and in silico predictions of the variant's effect on protein function are inconclusive. The evidence is insufficient to meet ACMG/AMP criteria for classifying the variant as benign or pathogenic. Thus, the clinical significance of this variant is currently uncertain.

Fulgent Genetics
Classification: Uncertain significance for Juvenile polyposis syndrome; Polyposis syndrome, hereditary mixed, 2. Last evaluated: 2022-01-14. Review status: criteria provided, single submitter. Criteria: ACMG Guidelines, 2015. Collection method: clinical testing. Allele origin: unknown.

GeneDx
Classification: Uncertain significance. Last evaluated: 2020-12-03. Review status: criteria provided, single submitter. Criteria: GeneDx Variant Classification Process June 2021. Collection method: clinical testing. Allele origin: germline. Affected: yes.
Comment: In silico analysis, which includes protein predictors and evolutionary conservation, supports that this variant does not alter protein structure/function; Observed in individuals with personal or family history of colon or other cancers (Cabanillas 2017, Mandelker 2017, Yurgelun 2017); This variant is associated with the following publications: (PMID: 28873162, 28135145, 28717660)

Breakthrough Genomics
Classification: Uncertain significance. Review status: criteria provided, single submitter. Criteria: ACMG Guidelines, 2015. Collection method: not provided. Allele origin: germline. Inheritance: Autosomal dominant inheritance. Affected: yes.

PreventionGenetics, part of Exact Sciences
Classification: Uncertain significance for BMPR1A-related condition. Last evaluated: 2023-11-09. Review status: no assertion criteria provided. Collection method: clinical testing. Allele origin: germline. Not counted in ClinVar's aggregate classification.
Comment: The BMPR1A c.478A>G variant is predicted to result in the amino acid substitution p.Met160Val. This variant has been reported in individuals with different cancer types, including colorectal cancer and leukemia (Table A4, Yurgelun et al. 2017. PubMed ID: 28135145; Supplementary Table 4a, Zhang et al. 2015. PubMed ID: 26580448; eTable, Mandelker et al. 2017. PubMed ID: 28873162). It has also been reported in healthy controls (Okawa et al. 2023. PubMed ID: 36243179). This variant is reported in 0.016% of alleles in individuals of South Asian descent in gnomAD. It has conflicting classifications listed in ClinVar, ranging from benign to uncertain significance. At this time, the clinical significance of this variant is uncertain due to the absence of conclusive functional and genetic evidence.

Literature cited by the submitters: PubMed 26580448 (cited by 3 submitters); PubMed 28135145 (cited by 5 submitters); PubMed 28717660 (cited by Quest Diagnostics Nichols Institute San Juan Capistrano and Sema4); PubMed 36243179 (cited by Quest Diagnostics Nichols Institute San Juan Capistrano); PubMed 2658044 (cited by Sema4).

NM_004329.3(BMPR1A):c.478A>G (p.Met160Val)

Gene: BMPR1A (bone morphogenetic protein receptor type 1A; plus strand). Cytogenetic location: 10q23.2.
Variant type: single nucleotide variant.
Coding change: c.478A>G on transcript NM_004329.3 (MANE Select); coding-DNA position 478, A replaced by G.
Protein change: p.Met160Val; replaces methionine 160 with valine.
Molecular consequence: missense variant.
Genome position (GRCh38, 1-based): chr10:86,900,074, A>G. VCF-style: chr10-86900074-A-G. GRCh37 (hg19) VCF-style: chr10-88659831-A-G.
Other names: short protein forms M160V.
Identifiers: ClinVar variation 141022 (VCV000141022.30), dbSNP rs145101532, ClinGen allele CA164255.